The following is an entry in ClinVar:

NM_000057.4(BLM):c.454A>G (p.Asn152Asp)

Gene: BLM (BLM RecQ like helicase; plus strand). Cytogenetic location: 15q26.1.
Variant type: single nucleotide variant.
Coding change: c.454A>G on transcript NM_000057.4 (MANE Select); coding-DNA position 454, A replaced by G.
Protein change: p.Asn152Asp; replaces asparagine 152 with aspartic acid.
Molecular consequence: missense variant. On other transcripts: 5 prime UTR variant (1).
Genome position (GRCh38, 1-based): chr15:90,749,722, A>G. VCF-style: chr15-90749722-A-G. GRCh37 (hg19) VCF-style: chr15-91292952-A-G.
Other names: c.454A>G (NM_000057.2); c.454A>G, p.Asn152Asp (NM_001287246.2, NM_001287247.2); c.-838A>G (NM_001287248.2); short protein forms N152D.
Identifiers: ClinVar variation 1056035 (VCV001056035.8), dbSNP rs2151147384, ClinGen allele CA393840786.

ClinVar aggregate classification (germline): Conflicting classifications of pathogenicity. Review status: criteria provided, conflicting classifications (1 of 4 stars). 2 submissions from 2 submitters: Uncertain significance (1); Likely benign (1). Last evaluated 2024-07-24.

Conditions:
Hereditary cancer-predisposing syndrome. Also called: Hereditary Cancer Syndrome; Tumor predisposition; Hereditary neoplastic syndrome; Neoplastic Syndromes, Hereditary. Identifiers: Orphanet 140162, MedGen C0027672, MeSH D009386, MONDO:0015356.
Bloom syndrome (BLM). Also called: Bloom-Torre-Machacek syndrome. Identifiers: Orphanet 125, MedGen C0005859, MONDO:0008876, OMIM 210900.

gnomAD v4.1: 3 of 1,614,192 alleles (0.00019%); highest among the groups gnomAD compares: Non-Finnish European, 0.00025%; no homozygotes.

Submissions (2):

Labcorp Genetics (formerly Invitae), Labcorp
Classification: Uncertain significance for Bloom syndrome. Last evaluated: 2024-07-24. Review status: criteria provided, single submitter. Criteria: Invitae Variant Classification Sherloc (09022015). Collection method: clinical testing. Allele origin: germline.
Comment: This sequence change replaces asparagine, which is neutral and polar, with aspartic acid, which is acidic and polar, at codon 152 of the BLM protein (p.Asn152Asp). This variant is not present in population databases (gnomAD no frequency). This variant has not been reported in the literature in individuals affected with BLM-related conditions. ClinVar contains an entry for this variant (Variation ID: 1056035). An algorithm developed to predict the effect of missense changes on protein structure and function outputs the following: PolyPhen-2: "Benign". The aspartic acid amino acid residue is found in multiple mammalian species, which suggests that this missense change does not adversely affect protein function. In summary, the available evidence is currently insufficient to determine the role of this variant in disease. Therefore, it has been classified as a Variant of Uncertain Significance.

Ambry Genetics
Classification: Likely benign for Hereditary cancer-predisposing syndrome. Last evaluated: 2023-10-25. Review status: criteria provided, single submitter. Criteria: Ambry Variant Classification Scheme 2023. Collection method: clinical testing. Allele origin: germline.